The following is an entry in ClinVar:

NM_000093.5(COL5A1):c.2800-172T>C

Gene: COL5A1 (collagen type V alpha 1 chain; plus strand). Cytogenetic location: 9q34.3.
Variant type: single nucleotide variant.
Coding change: c.2800-172T>C on transcript NM_000093.5 (MANE Select); 172 bases into the intron before coding-DNA position 2800, T replaced by C.
Molecular consequence: intron variant.
Genome position (GRCh38, 1-based): chr9:134,796,202, T>C. VCF-style: chr9-134796202-T-C. GRCh37 (hg19) VCF-style: chr9-137688048-T-C.
Other names: c.2800-172T>C (NM_001278074.1).
Identifiers: ClinVar variation 672249 (VCV000672249.2), dbSNP rs10776902, ClinGen allele CA12975160.

ClinVar aggregate classification (germline): Benign. Review status: criteria provided, multiple submitters, no conflicts (2 of 4 stars). 2 submissions from 2 submitters: Benign (2). Last evaluated 2018-06-14.

Allele frequency attached by ClinVar (database versions not stated): gnomAD 0.66338 and 0.66479; TOPMed 0.66947; 1000 Genomes Project 0.70168; 1000 Genomes Project 30x 0.70253.
gnomAD v4.1: 100,623 of 152,190 alleles (66%); highest among the groups gnomAD compares: African/African-American, 84%; 34,413 homozygotes.

Submissions (2):

GeneDx
Classification: Benign. Last evaluated: 2018-06-14. Review status: criteria provided, single submitter. Criteria: GeneDx Variant Classification (06012015). Collection method: clinical testing. Allele origin: germline. Affected: yes.
Comment: This variant is considered likely benign or benign based on one or more of the following criteria: it is a conservative change, it occurs at a poorly conserved position in the protein, it is predicted to be benign by multiple in silico algorithms, and/or has population frequency not consistent with disease.

Breakthrough Genomics
Classification: Benign. Review status: criteria provided, single submitter. Criteria: ACMG Guidelines, 2015. Collection method: not provided. Allele origin: germline. Inheritance: Autosomal dominant inheritance. Affected: yes.